The following is an entry in ClinVar:

ClinVar aggregate classification (germline): Uncertain significance (1 of 4 stars; one submission).

gnomAD v4.1: 1 of 1,614,082 alleles (0.000062%); no homozygotes.

Submission:

Labcorp Genetics (formerly Invitae), Labcorp
Classification: Uncertain significance. Last evaluated: 2025-09-13. Review status: criteria provided, single submitter. Criteria: Invitae Variant Classification Sherloc (09022015). Collection method: clinical testing. Allele origin: germline.
Comment: This sequence change replaces tyrosine, which is neutral and polar, with histidine, which is basic and polar, at codon 950 of the ALPK1 protein (p.Tyr950His). This variant is present in population databases (no rsID available, gnomAD no frequency). This variant has not been reported in the literature in individuals affected with ALPK1-related conditions. Invitae Evidence Modeling of protein sequence and biophysical properties (such as structural, functional, and spatial information, amino acid conservation, physicochemical variation, residue mobility, and thermodynamic stability) indicates that this missense variant is not expected to disrupt ALPK1 protein function with a negative predictive value of 80%. In summary, the available evidence is currently insufficient to determine the role of this variant in disease. Therefore, it has been classified as a Variant of Uncertain Significance.

NM_025144.4(ALPK1):c.2848T>C (p.Tyr950His)

Gene: ALPK1 (alpha kinase 1; plus strand). Cytogenetic location: 4q25.
Variant type: single nucleotide variant.
Coding change: c.2848T>C on transcript NM_025144.4 (MANE Select); coding-DNA position 2848, T replaced by C.
Protein change: p.Tyr950His; replaces tyrosine 950 with histidine.
Molecular consequence: missense variant.
Genome position (GRCh38, 1-based): chr4:112,432,395, T>C. VCF-style: chr4-112432395-T-C. GRCh37 (hg19) VCF-style: chr4-113353551-T-C.
Other names: c.2848T>C, p.Tyr950His (NM_001102406.2); c.2614T>C, p.Tyr872His (NM_001253884.2); short protein forms Y872H, Y950H.
Identifiers: ClinVar variation 4771758 (VCV004771758.1).